The following is an entry in ClinVar:

ClinVar aggregate classification (germline): Likely benign. Review status: criteria provided, multiple submitters, no conflicts (2 of 4 stars). 2 submissions from 2 submitters: Likely benign (2). Last evaluated 2026-09-08.

Conditions:
UGT1A1-related disorder. Also called: UGT1A1-related disorders; UGT1A1-related condition.

Allele frequency attached by ClinVar (database versions not stated): gnomAD exomes 0.00001.
gnomAD v4.1: 4 of 1,614,232 alleles (0.00025%); highest among the groups gnomAD compares: Admixed American, 0.0067%; no homozygotes.

Submissions (2):

PreventionGenetics, part of Exact Sciences
Classification: Likely benign for UGT1A1-related condition. Last evaluated: 2026-09-08. Review status: criteria provided, single submitter. Criteria: ACMG Guidelines, 2015. Collection method: clinical testing. Allele origin: germline.
Comment: This variant is classified as likely benign based on ACMG/AMP sequence variant interpretation guidelines (Richards et al. 2015 PMID: 25741868, with internal and published modifications).

ARUP Laboratories, Molecular Genetics and Genomics, ARUP Laboratories
Classification: Likely benign. Last evaluated: 2023-09-25. Review status: criteria provided, single submitter. Criteria: ARUP Molecular Germline Variant Investigation Process 2024. Collection method: clinical testing. Allele origin: germline.

NM_000463.3(UGT1A1):c.1308C>T (p.Tyr436=)

Genes: UGT1A5 (UDP glucuronosyltransferase family 1 member A5; plus strand), UGT1A6 (UDP glucuronosyltransferase family 1 member A6; plus strand), UGT1A7 (UDP glucuronosyltransferase family 1 member A7; plus strand), UGT1A8 (UDP glucuronosyltransferase family 1 member A8; plus strand), UGT1A9 (UDP glucuronosyltransferase family 1 member A9; plus strand) and 5 more. Cytogenetic location: 2q37.1.
Variant type: single nucleotide variant.
Coding change: c.1308C>T on transcript NM_000463.3 (MANE Select); coding-DNA position 1308, C replaced by T.
Protein change: p.Tyr436=; no amino-acid change (tyrosine 436 retained).
Molecular consequence: synonymous variant.
Genome position (GRCh38, 1-based): chr2:233,772,265, C>T. VCF-style: chr2-233772265-C-T. GRCh37 (hg19) VCF-style: chr2-234680911-C-T.
Other names: c.1299C>T, p.Tyr433= (NM_019075.4, NM_019076.5, NM_019077.3 and 1 more transcripts); c.1305C>T, p.Tyr435= (NM_001072.4); c.504C>T, p.Tyr168= (NM_205862.3); c.1311C>T, p.Tyr437= (NM_019078.2, NM_007120.3, NM_019093.4).
Identifiers: ClinVar variation 2921095 (VCV002921095.2), dbSNP rs926387515, ClinGen allele CA67599319.